The following is an entry in ClinVar:

ClinVar aggregate classification (germline): Uncertain significance (1 of 4 stars; one submission).

Conditions:
Alpha thalassemia-X-linked intellectual disability syndrome (ATRX). Also called: ATR-X syndrome; Alpha thalassemia mental retardation syndrome, nondeletion type, X-linked; XLMR hypotonic face syndrome; X-linked alpha-thalassemia-mental retardation syndrome; ALPHA-THALASSEMIA/IMPAIRED INTELLECTUAL DEVELOPMENT SYNDROME, X-LINKED; ALPHA-THALASSEMIA/MENTAL RETARDATION SYNDROME, X-LINKED. Identifiers: Orphanet 847, MedGen C1845055, MONDO:0010519, OMIM 301040.

Submission:

Labcorp Genetics (formerly Invitae), Labcorp
Classification: Uncertain significance for Alpha thalassemia-X-linked intellectual disability syndrome. Last evaluated: 2021-05-10. Review status: criteria provided, single submitter. Criteria: Invitae Variant Classification Sherloc (09022015). Collection method: clinical testing. Allele origin: germline.
Comment: In summary, the available evidence is currently insufficient to determine the role of this variant in disease. Therefore, it has been classified as a Variant of Uncertain Significance. Advanced modeling of protein sequence and biophysical properties (such as structural, functional, and spatial information, amino acid conservation, physicochemical variation, residue mobility, and thermodynamic stability) performed at Invitae indicates that this missense variant is not expected to disrupt ATRX protein function. This variant has not been reported in the literature in individuals with ATRX-related conditions. This variant is not present in population databases (ExAC no frequency). This sequence change replaces glutamic acid with glycine at codon 1984 of the ATRX protein (p.Glu1984Gly). The glutamic acid residue is moderately conserved and there is a moderate physicochemical difference between glutamic acid and glycine.

NM_000489.6(ATRX):c.5951A>G (p.Glu1984Gly)

Gene: ATRX (ATRX chromatin remodeler; minus strand). Cytogenetic location: Xq21.1.
Variant type: single nucleotide variant.
Coding change: c.5951A>G on transcript NM_000489.6 (MANE Select); coding-DNA position 5951, A replaced by G.
Protein change: p.Glu1984Gly; replaces glutamic acid 1984 with glycine.
Molecular consequence: missense variant.
Genome position (GRCh38, 1-based): chrX:77,599,416, T>C on the plus strand (A>G on the coding strand, the complement: ATRX is on the minus strand). VCF-style: chrX-77599416-T-C. GRCh37 (hg19) VCF-style: chrX-76854885-T-C.
Other names: c.5837A>G, p.Glu1946Gly (NM_138270.5); short protein forms E1946G, E1984G.
Identifiers: ClinVar variation 1367082 (VCV001367082.8), dbSNP rs2148140220, ClinGen allele CA413697493.